The following is an entry in ClinVar:

ClinVar aggregate classification (germline): Likely benign (0 of 4 stars; one submission).

Conditions:
FBXO31-related disorder. Also called: FBXO31-related condition.

Allele frequency attached by ClinVar (database versions not stated): TOPMed below 0.00001; ExAC 0.00002; gnomAD 0.00003.
gnomAD v4.1: 46 of 1,614,264 alleles (0.0028%); highest among the groups gnomAD compares: African/African-American, 0.0053%; no homozygotes.

Submission:

PreventionGenetics, part of Exact Sciences
Classification: Likely benign for FBXO31-related condition. Last evaluated: 2019-04-11. Review status: no assertion criteria provided. Collection method: clinical testing. Allele origin: germline.
Comment: This variant is classified as likely benign based on ACMG/AMP sequence variant interpretation guidelines (Richards et al. 2015 PMID: 25741868, with internal and published modifications).

NM_024735.5(FBXO31):c.543C>T (p.His181=)

Gene: FBXO31 (F-box protein 31; minus strand). Cytogenetic location: 16q24.2.
Variant type: single nucleotide variant.
Coding change: c.543C>T on transcript NM_024735.5 (MANE Select); coding-DNA position 543, C replaced by T.
Protein change: p.His181=; no amino-acid change (histidine 181 retained).
Molecular consequence: synonymous variant.
Genome position (GRCh38, 1-based): chr16:87,343,712, G>A on the plus strand (C>T on the coding strand, the complement: FBXO31 is on the minus strand). VCF-style: chr16-87343712-G-A. GRCh37 (hg19) VCF-style: chr16-87377318-G-A.
Other names: c.27C>T, p.His9= (NM_001282683.2).
Identifiers: ClinVar variation 3047823 (VCV003047823.2), dbSNP rs762500727, ClinGen allele CA8219185.
Genomic context (GRCh38, chr16:87,343,712, plus strand): 5'-AGCCTTCCTCTCCATCAGGTGGATCCTGAACAGAGGCTTGAATCTCATAGGGTCATCGAC[G>A]TGGGGGTCATGGGGAGGCAGGTACATCCACCCGATGATGAACAGGCCGTCCACCTACAGG-3'
Protein context (NP_079011.3, residues 171-191): GWMYLPPHDP[His181=]VDDPMRFKPL